The following is an entry in ClinVar:

ClinVar aggregate classification (germline): Uncertain significance (1 of 4 stars; one submission).

Submission:

Labcorp Genetics (formerly Invitae), Labcorp
Classification: Uncertain significance. Last evaluated: 2025-04-28. Review status: criteria provided, single submitter. Criteria: Invitae Variant Classification Sherloc (09022015). Collection method: clinical testing. Allele origin: germline.
Comment: This sequence change replaces leucine, which is neutral and non-polar, with valine, which is neutral and non-polar, at codon 239 of the DCX protein (p.Leu239Val). This variant is not present in population databases (gnomAD no frequency). This variant has not been reported in the literature in individuals affected with DCX-related conditions. Invitae Evidence Modeling of protein sequence and biophysical properties (such as structural, functional, and spatial information, amino acid conservation, physicochemical variation, residue mobility, and thermodynamic stability) indicates that this missense variant is not expected to disrupt DCX protein function with a negative predictive value of 80%. In summary, the available evidence is currently insufficient to determine the role of this variant in disease. Therefore, it has been classified as a Variant of Uncertain Significance.

NM_001195553.2(DCX):c.715C>G (p.Leu239Val)

Gene: DCX (doublecortin; minus strand). Cytogenetic location: Xq23.
Variant type: single nucleotide variant.
Coding change: c.715C>G on transcript NM_001195553.2 (MANE Select); coding-DNA position 715, C replaced by G.
Protein change: p.Leu239Val; replaces leucine 239 with valine.
Molecular consequence: missense variant.
Genome position (GRCh38, 1-based): chrX:111,333,144, G>C on the plus strand (C>G on the coding strand, the complement: DCX is on the minus strand). VCF-style: chrX-111333144-G-C. GRCh37 (hg19) VCF-style: chrX-110576372-G-C.
Other names: c.958C>G, p.Leu320Val (NM_000555.3); c.715C>G, p.Leu239Val (NM_001369370.1, NM_001369371.1, NM_001369372.1 and 6 more transcripts); short protein forms L320V, L239V.
Identifiers: ClinVar variation 4741330 (VCV004741330.1).